The following is an entry in ClinVar:

ClinVar aggregate classification (germline): Uncertain significance (1 of 4 stars; one submission).

Conditions:
Amyotrophic lateral sclerosis type 6. Also called: FUS-Related Amyotrophic Laterial Sclerosis; AMYOTROPHIC LATERAL SCLEROSIS 6 WITHOUT FRONTOTEMPORAL DEMENTIA; Amyotrophic lateral sclerosis 6, with or without frontotemporal dementia. Identifiers: Orphanet 275872, Orphanet 803, MedGen C2931786, MONDO:0011951, OMIM 608030.
Tremor, hereditary essential, 4 (ETM4). Identifiers: MedGen C3539195, MONDO:0013888, OMIM 614782.

Submission:

Labcorp Genetics (formerly Invitae), Labcorp
Classification: Uncertain significance for Tremor, hereditary essential, 4; Amyotrophic lateral sclerosis type 6. Last evaluated: 2024-07-24. Review status: criteria provided, single submitter. Criteria: Invitae Variant Classification Sherloc (09022015). Collection method: clinical testing. Allele origin: germline.
Comment: This sequence change replaces glycine, which is neutral and non-polar, with glutamic acid, which is acidic and polar, at codon 22 of the FUS protein (p.Gly22Glu). This variant is not present in population databases (gnomAD no frequency). This variant has not been reported in the literature in individuals affected with FUS-related conditions. Experimental studies and prediction algorithms are not available or were not evaluated, and the functional significance of this variant is currently unknown. In summary, the available evidence is currently insufficient to determine the role of this variant in disease. Therefore, it has been classified as a Variant of Uncertain Significance.

NM_004960.4(FUS):c.65G>A (p.Gly22Glu)

Gene: FUS (FUS RNA binding protein; plus strand). Cytogenetic location: 16p11.2.
Variant type: single nucleotide variant.
Coding change: c.65G>A on transcript NM_004960.4 (MANE Select); coding-DNA position 65, G replaced by A.
Protein change: p.Gly22Glu; replaces glycine 22 with glutamic acid.
Molecular consequence: missense variant. On other transcripts: non-coding transcript variant (1).
Genome position (GRCh38, 1-based): chr16:31,182,539, G>A. VCF-style: chr16-31182539-G-A. GRCh37 (hg19) VCF-style: chr16-31193860-G-A.
Other names: c.65G>A, p.Gly22Glu (NM_001170634.1, NM_001170937.1); short protein forms G22E.
Identifiers: ClinVar variation 3752341 (VCV003752341.2).
Genomic context (GRCh38, chr16:31,182,539, plus strand): 5'-GTTTTCTGATCACGCTGGTTTTCCTTTTATTTAGCTATGGGGCCTACCCCACCCAGCCCG[G>A]GCAGGGCTATTCCCAGCAGAGCAGTCAGCCCTACGGACAGCAGAGTTACAGTGGTTATAG-3'
Protein context (NP_004951.1, residues 12-32): QSYGAYPTQP[Gly22Glu]QGYSQQSSQP